The following is an entry in ClinVar:

ClinVar aggregate classification (germline): Uncertain significance. Review status: criteria provided, multiple submitters, no conflicts (2 of 4 stars). 2 submissions from 2 submitters: Uncertain significance (2). Last evaluated 2025-10-03.

Conditions:
Hajdu-Cheney syndrome (HJCYS). Also called: ACROOSTEOLYSIS WITH OSTEOPOROSIS AND CHANGES IN SKULL AND MANDIBLE; SERPENTINE FIBULA-POLYCYSTIC KIDNEY SYNDROME; Acroosteolysis dominant type. Identifiers: Orphanet 955, MedGen C0917715, MONDO:0007057, OMIM 102500.
Inborn genetic diseases. Identifiers: MedGen C0950123, MeSH D030342.

Submissions (2):

Labcorp Genetics (formerly Invitae), Labcorp
Classification: Uncertain significance for Hajdu-Cheney syndrome. Last evaluated: 2025-10-03. Review status: criteria provided, single submitter. Criteria: Invitae Variant Classification Sherloc (09022015). Collection method: clinical testing. Allele origin: germline.
Comment: This sequence change replaces histidine, which is basic and polar, with glutamine, which is neutral and polar, at codon 2096 of the NOTCH2 protein (p.His2096Gln). This variant is not present in population databases (gnomAD no frequency). This variant has not been reported in the literature in individuals affected with NOTCH2-related conditions. Invitae Evidence Modeling of protein sequence and biophysical properties (such as structural, functional, and spatial information, amino acid conservation, physicochemical variation, residue mobility, and thermodynamic stability) indicates that this missense variant is not expected to disrupt NOTCH2 protein function with a negative predictive value of 80%. In summary, the available evidence is currently insufficient to determine the role of this variant in disease. Therefore, it has been classified as a Variant of Uncertain Significance.

Ambry Genetics
Classification: Uncertain significance for Inborn genetic diseases. Last evaluated: 2025-08-26. Review status: criteria provided, single submitter. Criteria: Ambry Variant Classification Scheme 2023. Collection method: clinical testing. Allele origin: germline.

NM_024408.4(NOTCH2):c.6288C>A (p.His2096Gln)

Gene: NOTCH2 (notch receptor 2; minus strand). Cytogenetic location: 1p12.
Variant type: single nucleotide variant.
Coding change: c.6288C>A on transcript NM_024408.4 (MANE Select); coding-DNA position 6288, C replaced by A.
Protein change: p.His2096Gln; replaces histidine 2096 with glutamine.
Molecular consequence: missense variant.
Genome position (GRCh38, 1-based): chr1:119,916,434, G>T on the plus strand (C>A on the coding strand, the complement: NOTCH2 is on the minus strand). VCF-style: chr1-119916434-G-T. GRCh37 (hg19) VCF-style: chr1-120459057-G-T.
Other names: short protein forms H2096Q.
Identifiers: ClinVar variation 4121698 (VCV004121698.2).